The following is an entry in ClinVar:

ClinVar aggregate classification (germline): Likely benign (1 of 4 stars; one submission).

Conditions:
Breast-ovarian cancer, familial, susceptibility to, 2 (BROVCA2). Also called: BRCA2 Hereditary Breast and Ovarian Cancer. Identifiers: Orphanet 145, MedGen C2675520, MONDO:0012933, OMIM 612555. Disease mechanism: loss of function.

gnomAD v4.1: 1 of 1,614,136 alleles (0.000062%); highest among the groups gnomAD compares: Non-Finnish European, 0.000085%; no homozygotes.

Submission:

Cancer Bioinformatics and Tumour Evolution Laboratory, Monash University
Classification: Likely benign for Breast-ovarian cancer, familial, susceptibility to, 2. Last evaluated: 2026-05-01. Review status: criteria provided, single submitter. Criteria: ClinGen BRCA1 and BRCA2 Guidelines, 2024. Collection method: curation. Allele origin: germline. Inheritance: Autosomal dominant inheritance.
Comment: The variant is in a functional domain (DNA Binding Domain). The BayesDel score is -0.0692891, which means no deleterious impact is predicted. Hence, BP4 is applied. PMID: 39779857 - SGE on human haploid HAP1 cells. This variant was found to be strongly benign in the HDR assay. Other missenses in this codon were benign except c.8236C>A; p.Thr2746Pro which was found to be moderately pathogenic. Hence, BS3 is applied.

Literature cited by the submitters: PubMed 39779857.

NM_000059.4(BRCA2):c.8237C>T (p.Thr2746Ile)

Gene: BRCA2 (BRCA2 DNA repair associated; plus strand). Cytogenetic location: 13q13.1.
Variant type: single nucleotide variant.
Coding change: c.8237C>T on transcript NM_000059.4 (MANE Select); coding-DNA position 8237, C replaced by T.
Protein change: p.Thr2746Ile; replaces threonine 2746 with isoleucine.
Molecular consequence: missense variant. On other transcripts: non-coding transcript variant (1).
Genome position (GRCh38, 1-based): chr13:32,363,439, C>T. VCF-style: chr13-32363439-C-T. GRCh37 (hg19) VCF-style: chr13-32937576-C-T.
Other names: c.8141C>T, p.Thr2714Ile (NM_001406719.1); c.8237C>T, p.Thr2746Ile (NM_001406720.1, NM_001432077.1); c.3305C>T, p.Thr1102Ile (NM_001406721.1); c.1820C>T, p.Thr607Ile (NM_001406722.1); short protein forms T1102I, T2714I, T2746I, T607I.
Identifiers: ClinVar variation 4856519 (VCV004856519.1).
Genomic context (GRCh38, chr13:32,363,439, plus strand): 5'-ATGCTGTTAAGGCCCAGTTAGATCCTCCCCTCTTAGCTGTCTTAAAGAATGGCAGACTGA[C>T]AGTTGGTCAGAAGATTATTCTTCATGGAGCAGAACTGGTGGGCTCTCCTGATGCCTGTAC-3'
Protein context (NP_000050.3, residues 2736-2756): LLAVLKNGRL[Thr2746Ile]VGQKIILHGA